The following is an entry in ClinVar:

ClinVar aggregate classification (germline): Uncertain significance (1 of 4 stars; one submission).

Allele frequency attached by ClinVar (database versions not stated): gnomAD exomes below 0.00001; TOPMed below 0.00001; ExAC 0.00001; gnomAD 0.00001.
gnomAD v4.1: 5 of 1,613,070 alleles (0.00031%); highest among the groups gnomAD compares: East Asian, 0.0022%; no homozygotes.

Submission:

Labcorp Genetics (formerly Invitae), Labcorp
Classification: Uncertain significance. Last evaluated: 2023-10-05. Review status: criteria provided, single submitter. Criteria: Invitae Variant Classification Sherloc (09022015). Collection method: clinical testing. Allele origin: germline.
Comment: This sequence change falls in intron 2 of the TFAM gene. It does not directly change the encoded amino acid sequence of the TFAM protein. It affects a nucleotide within the consensus splice site. The frequency data for this variant in the population databases is considered unreliable, as metrics indicate poor data quality at this position in the gnomAD database. This variant has not been reported in the literature in individuals affected with TFAM-related conditions. Variants that disrupt the consensus splice site are a relatively common cause of aberrant splicing (PMID: 17576681, 9536098). Algorithms developed to predict the effect of sequence changes on RNA splicing suggest that this variant is not likely to affect RNA splicing. In summary, the available evidence is currently insufficient to determine the role of this variant in disease. Therefore, it has been classified as a Variant of Uncertain Significance.

Literature cited by the submitters: PubMed 17576681; PubMed 9536098.

NM_003201.3(TFAM):c.221-3T>C

Gene: TFAM (transcription factor A, mitochondrial; plus strand). Cytogenetic location: 10q21.1.
Variant type: single nucleotide variant.
Coding change: c.221-3T>C on transcript NM_003201.3 (MANE Select); 3 bases into the intron before coding-DNA position 221, T replaced by C.
Molecular consequence: intron variant.
Genome position (GRCh38, 1-based): chr10:58,388,187, T>C. VCF-style: chr10-58388187-T-C. GRCh37 (hg19) VCF-style: chr10-60147947-T-C.
Other names: c.221-3T>C (NM_001270782.2).
Identifiers: ClinVar variation 2900513 (VCV002900513.3), dbSNP rs769415072, ClinGen allele CA5507909.